The following is an entry in ClinVar:

ClinVar aggregate classification (germline): Conflicting classifications of pathogenicity. Review status: criteria provided, conflicting classifications (1 of 4 stars). 8 submissions from 8 submitters: Uncertain significance (4); Benign (1); Likely benign (1). 2 of the submissions do not count toward it. Last evaluated 2025-08-06.

Conditions:
BRCA1-related disorder. Also called: BRCA1-related condition.
Hereditary breast ovarian cancer syndrome. Also called: Hereditary breast and ovarian cancer syndrome; Hereditary breast and ovarian cancer syndrome (HBOC); BRCA1- and BRCA2-Associated Hereditary Breast and Ovarian Cancer; Breast and ovarian cancer; Hereditary breast and ovarian cancer; Hereditary breast and/or ovarian cancer syndrome. Identifiers: Orphanet 145, MedGen C0677776, MeSH D061325, MONDO:0003582. Disease mechanism: loss of function.
Fanconi anemia, complementation group S (FANCS). Identifiers: MedGen C4554406, MONDO:0054748, OMIM 617883.
Hereditary cancer-predisposing syndrome. Also called: Hereditary Cancer Syndrome; Hereditary neoplastic syndrome; Tumor predisposition; Neoplastic Syndromes, Hereditary. Identifiers: Orphanet 140162, MedGen C0027672, MeSH D009386, MONDO:0015356.
Breast-ovarian cancer, familial, susceptibility to, 1 (BROVCA1). Also called: OVARIAN CANCER, SUSCEPTIBILITY TO; BRCA1 Hereditary Breast and Ovarian Cancer. Identifiers: Orphanet 145, MedGen C2676676, MONDO:0011450, OMIM 604370. Disease mechanism: loss of function.

Submissions (8):

Labcorp Genetics (formerly Invitae), Labcorp
Classification: Benign for Hereditary breast ovarian cancer syndrome. Last evaluated: 2025-08-06. Review status: criteria provided, single submitter. Criteria: Invitae Variant Classification Sherloc (09022015). Collection method: clinical testing. Allele origin: germline.

Color Diagnostics, LLC DBA Color Health
Classification: Uncertain significance for Hereditary cancer-predisposing syndrome. Last evaluated: 2024-06-20. Review status: criteria provided, single submitter. Criteria: ACMG Guidelines, 2015. Collection method: clinical testing. Allele origin: germline.
Comment: This variant causes an in-frame deletion of three amino acids at the C-terminus of the BRCT domain in the BRCA1 protein. A functional assay has shown that this variant causes a partial decrease in transcription activity via a luciferase activity assay, with the mutant protein displaying ~64% activity of the wild type protein (PMID: 36171434). This variant has been reported in an individual affected with breast cancer (PMID: 34271787). This variant has been identified in 16/250796 chromosomes in the general population by the Genome Aggregation Database (gnomAD). The available evidence is insufficient to determine the role of this variant in disease conclusively. Therefore, this variant is classified as a Variant of Uncertain Significance.

Baylor Genetics
Classification: Uncertain significance for Breast-ovarian cancer, familial, susceptibility to, 1. Last evaluated: 2023-11-09. Review status: criteria provided, single submitter. Criteria: ACMG Guidelines, 2015. Collection method: clinical testing. Allele origin: unknown.

Ambry Genetics
Classification: Likely benign for Hereditary cancer-predisposing syndrome. Last evaluated: 2021-08-31. Review status: criteria provided, single submitter. Criteria: Ambry Variant Classification Scheme 2023. Collection method: clinical testing. Allele origin: germline.

Women's Health and Genetics/Laboratory Corporation of America, LabCorp
Classification: Uncertain significance. Last evaluated: 2020-11-23. Review status: criteria provided, single submitter. Criteria: LabCorp Variant Classification Summary - May 2015. Collection method: clinical testing. Allele origin: germline.
Comment: Variant summary: BRCA1 c.5571_5579delGATCCCCCA (p.Gln1857_Pro1859del), located in the last exon of the BRCA1 gene, results in an in-frame deletion in that is predicted to remove three amino acids towards the end of the encoded protein. The variant allele was found at a frequency of 6.4e-05 in 250796 control chromosomes, predominantly at a frequency of 0.00052 within the South Asian subpopulation in the gnomAD database. This frequency is not significantly higher than expected for a pathogenic variant in BRCA1 causing Hereditary Breast And Ovarian Cancer Syndrome (6.4e-05 vs 0.001), allowing no conclusion about variant significance. To our knowledge, no occurrence of c.5571_5579delGATCCCCCA in individuals affected with Hereditary Breast And Ovarian Cancer Syndrome and no experimental evidence demonstrating its impact on protein function have been reported. Three clinical diagnostic laboratories have submitted clinical-significance assessments for this variant to ClinVar after 2014 without evidence for independent evaluation. All laboratories classified the variant as uncertain significance. Based on the evidence outlined above, the variant was classified as uncertain significance.

Department of Pathology and Laboratory Medicine, Sinai Health System
Classification: Uncertain significance for Fanconi anemia, complementation group S. Last evaluated: 2019-12-11. Review status: criteria provided, single submitter. Criteria: ACMG Guidelines, 2015. Collection method: clinical testing. Allele origin: germline. Affected: yes.

PreventionGenetics, part of Exact Sciences
Classification: Uncertain significance for BRCA1-related condition. Last evaluated: 2023-12-29. Review status: no assertion criteria provided. Collection method: clinical testing. Allele origin: germline. Not counted in ClinVar's aggregate classification.
Comment: The BRCA1 c.5571_5579del9 variant is predicted to result in an in-frame deletion (p.Gln1857_Pro1859del). This variant has been reported in an individual with triple-negative breast cancer (Tariq et al. 2021. PubMed ID: 33773534). Experimental studies suggest that the p.Gln1857_Pro1859del effect has a modest impact on transcription activity, showing only a 30% reduction compared to wild-type (Nepomuceno et al. 2022. PubMed ID: 36171434). This variant is reported in 0.052% of alleles in individuals of South Asian descent in gnomAD and has conflicting classifications of uncertain and likely benign in ClinVar. Although we suspect that this variant may be benign, at this time, the clinical significance of this variant is uncertain due to the absence of conclusive functional and genetic evidence.

Sharing Clinical Reports Project (SCRP)
Classification: Uncertain significance for Breast-ovarian cancer, familial 1. Last evaluated: 2012-12-26. Review status: no assertion criteria provided. Collection method: clinical testing. Allele origin: germline. Not counted in ClinVar's aggregate classification.

Literature cited by the submitters: PubMed 34271787 (cited by Color Diagnostics, LLC DBA Color Health); PubMed 36171434 (cited by Color Diagnostics, LLC DBA Color Health); PubMed 33773534 (cited by Ambry Genetics).

NM_007294.4(BRCA1):c.5571_5579del (p.Gln1857_Pro1859del)

Gene: BRCA1 (BRCA1 DNA repair associated; minus strand). Cytogenetic location: 17q21.31.
Variant type: Deletion.
Coding change: c.5571_5579del on transcript NM_007294.4 (MANE Select); coding-DNA positions 5571 to 5579, 9 bases deleted (GATCCCCCA; older notation c.5571_5579delGATCCCCCA).
Protein change: p.Gln1857_Pro1859del.
Molecular consequence: inframe deletion. On other transcripts: inframe indel (351), 3 prime UTR variant (1), non-coding transcript variant (1).
Genome position (GRCh38, 1-based): chr17:43,045,691-43,045,699, TGGGGGATC deleted on the plus strand (GATCCCCCA on the coding strand, the reverse complement: BRCA1 is on the minus strand); deleting any 9 consecutive bases within chr17:43,045,691-43,045,704 gives the same sequence; the c. name uses the placement nearest the transcript's 3' end. VCF-style (leftmost placement, unchanged base first): chr17-43045690-GTGGGGGATC-G. GRCh37 (hg19) VCF-style: chr17-41197707-GTGGGGGATC-G.
Other names: 5690del9; c.5571_5579delGATCCCCCA (NM_007294.3); c.5353_5361delCCCCAGATC, p.Gln1786_Pro1788del (NM_001407571.1, NM_001407894.1, NM_001407895.1 and 12 more transcripts); c.5632_5640delCCCCAGATC, p.Gln1879_Pro1881del (NM_001407581.1, NM_001407582.1); c.5629_5637delCCCCAGATC, p.Gln1878_Pro1880del (NM_001407583.1, NM_001407585.1, NM_001407587.1); c.5626_5634delCCCCAGATC, p.Gln1877_Pro1879del (NM_001407590.1, NM_001407591.1); c.5566_5574delCCCCAGATC, p.Gln1857_Pro1859del (NM_001407593.1, NM_001407594.1, NM_001407596.1 and 6 more transcripts); c.5563_5571delCCCCAGATC, p.Gln1856_Pro1858del (NM_001407610.1, NM_001407611.1, NM_001407612.1 and 14 more transcripts); and 80 more.
Identifiers: ClinVar variation 187111 (VCV000187111.23), dbSNP rs775417240, ClinGen allele CA003724.